The following is an entry in ClinVar:

NM_006206.6(PDGFRA):c.3104G>A (p.Gly1035Asp)

Gene: PDGFRA (platelet derived growth factor receptor alpha; plus strand). Cytogenetic location: 4q12.
Variant type: single nucleotide variant.
Coding change: c.3104G>A on transcript NM_006206.6 (MANE Select); coding-DNA position 3104, G replaced by A.
Protein change: p.Gly1035Asp; replaces glycine 1035 with aspartic acid.
Molecular consequence: missense variant.
Genome position (GRCh38, 1-based): chr4:54,290,536, G>A. VCF-style: chr4-54290536-G-A. GRCh37 (hg19) VCF-style: chr4-55156703-G-A.
Other names: c.3179G>A, p.Gly1060Asp (NM_001347828.2); c.3104G>A, p.Gly1035Asp (NM_001347829.2); c.3143G>A, p.Gly1048Asp (NM_001347830.2); short protein forms G1035D, G1048D, G1060D.
Identifiers: ClinVar variation 1019256 (VCV001019256.16), dbSNP rs777886441, ClinGen allele CA356896386.

ClinVar aggregate classification (germline): Uncertain significance (1 of 4 stars; one submission).

Conditions:
Gastrointestinal stromal tumor. Also called: Gastrointestinal stromal tumor, somatic; Gastrointestinal stroma tumor. Identifiers: Orphanet 44890, MedGen C0238198, MeSH D046152, MONDO:0011719, OMIM 606764, HP:0100723.

Submission:

Labcorp Genetics (formerly Invitae), Labcorp
Classification: Uncertain significance for Gastrointestinal stromal tumor. Last evaluated: 2025-10-11. Review status: criteria provided, single submitter. Criteria: Invitae Variant Classification Sherloc (09022015). Collection method: clinical testing. Allele origin: germline.
Comment: This sequence change replaces glycine, which is neutral and non-polar, with aspartic acid, which is acidic and polar, at codon 1035 of the PDGFRA protein (p.Gly1035Asp). This variant is not present in population databases (gnomAD no frequency). This variant has not been reported in the literature in individuals affected with PDGFRA-related conditions. ClinVar contains an entry for this variant (Variation ID: 1019256). Invitae Evidence Modeling of protein sequence and biophysical properties (such as structural, functional, and spatial information, amino acid conservation, physicochemical variation, residue mobility, and thermodynamic stability) indicates that this missense variant is not expected to disrupt PDGFRA protein function with a negative predictive value of 80%. In summary, the available evidence is currently insufficient to determine the role of this variant in disease. Therefore, it has been classified as a Variant of Uncertain Significance.